The following is an entry in ClinVar:

NM_001206744.2(TPO):c.2548A>G (p.Ile850Val)

Genes: LALTOP (lung cancer associated lncRNA targeting TOP2A; minus strand), TPO (thyroid peroxidase; plus strand). Cytogenetic location: 2p25.3.
Variant type: single nucleotide variant.
Coding change: c.2548A>G on transcript NM_001206744.2 (MANE Select); coding-DNA position 2548, A replaced by G.
Protein change: p.Ile850Val; replaces isoleucine 850 with valine.
Molecular consequence: missense variant.
Genome position (GRCh38, 1-based): chr2:1,516,912, A>G. VCF-style: chr2-1516912-A-G. GRCh37 (hg19) VCF-style: chr2-1520684-A-G.
Other names: c.2548A>G, p.Ile850Val (NM_000547.6); c.2377A>G, p.Ile793Val (NM_001206745.2, NM_175719.4); c.2416A>G, p.Ile806Val (NM_175721.3); c.2029A>G, p.Ile677Val (NM_175722.3); short protein forms I677V, I793V, I806V, I850V.
Identifiers: ClinVar variation 1707881 (VCV001707881.2), dbSNP rs2546428742, ClinGen allele CA345694961.

ClinVar aggregate classification (germline): Uncertain significance (1 of 4 stars; one submission).

Submission:

GeneDx
Classification: Uncertain significance. Last evaluated: 2022-03-29. Review status: criteria provided, single submitter. Criteria: GeneDx Variant Classification Process June 2021. Collection method: clinical testing. Allele origin: germline. Affected: yes.
Comment: Not observed at significant frequency in large population cohorts (gnomAD); In silico analysis supports that this missense variant does not alter protein structure/function; Has not been previously published as pathogenic or benign to our knowledge